The following is an entry in ClinVar:

ClinVar aggregate classification (germline): Uncertain significance (1 of 4 stars; one submission).

Conditions:
Multiple endocrine neoplasia, type 2 (MEN2). Identifiers: Orphanet 653, MedGen C4048306, MONDO:0019003. Disease mechanism: gain of function.

gnomAD v4.1: 1 of 1,613,146 alleles (0.000062%); no homozygotes.

Submission:

Labcorp Genetics (formerly Invitae), Labcorp
Classification: Uncertain significance for Multiple endocrine neoplasia, type 2. Last evaluated: 2024-11-20. Review status: criteria provided, single submitter. Criteria: Invitae Variant Classification Sherloc (09022015). Collection method: clinical testing. Allele origin: germline.
Comment: This sequence change replaces methionine, which is neutral and non-polar, with threonine, which is neutral and polar, at codon 674 of the RET protein (p.Met674Thr). This variant is present in population databases (no rsID available, gnomAD 0.006%). This variant has not been reported in the literature in individuals affected with RET-related conditions. An algorithm developed to predict the effect of missense changes on protein structure and function (PolyPhen-2) suggests that this variant is likely to be disruptive. In summary, the available evidence is currently insufficient to determine the role of this variant in disease. Therefore, it has been classified as a Variant of Uncertain Significance.

NM_020975.6(RET):c.2021T>C (p.Met674Thr)

Gene: RET (ret proto-oncogene; plus strand). Cytogenetic location: 10q11.21.
Variant type: single nucleotide variant.
Coding change: c.2021T>C on transcript NM_020975.6 (MANE Select); coding-DNA position 2021, T replaced by C.
Protein change: p.Met674Thr; replaces methionine 674 with threonine.
Molecular consequence: missense variant.
Genome position (GRCh38, 1-based): chr10:43,114,621, T>C. VCF-style: chr10-43114621-T-C. GRCh37 (hg19) VCF-style: chr10-43610069-T-C.
Other names: c.1757T>C, p.Met586Thr (NM_001406768.1); c.1625T>C, p.Met542Thr (NM_001406769.1, NM_001406772.1); c.1733T>C, p.Met578Thr (NM_001406770.1, NM_001406766.1, NM_001406767.1); c.1583T>C, p.Met528Thr (NM_001406771.1, NM_001406773.1); c.1496T>C, p.Met499Thr (NM_001406774.1); c.1295T>C, p.Met432Thr (NM_001406775.1, NM_001406776.1, NM_001406777.1 and 1 more transcripts); c.1259T>C, p.Met420Thr (NM_001355216.2); c.2021T>C, p.Met674Thr (NM_001406743.1, NM_001406744.1, NM_001406759.1 and 2 more transcripts); and 10 more; short protein forms M239T, M420T, M528T, M578T, M674T, M191T, M279T, M330T.
Identifiers: ClinVar variation 3724585 (VCV003724585.2).